The following is an entry in ClinVar:

NM_134261.3(RORA):c.1384C>T (p.Arg462Ter)

Genes: RORA (RAR related orphan receptor A; minus strand), RORA-AS1 (RORA antisense RNA 1; plus strand). Cytogenetic location: 15q22.2.
Variant type: single nucleotide variant.
Coding change: c.1384C>T on transcript NM_134261.3 (MANE Select); coding-DNA position 1384, C replaced by T.
Protein change: p.Arg462Ter; replaces arginine 462 with a stop codon.
Genome position (GRCh38, 1-based): chr15:60,499,915, G>A on the plus strand (C>T on the coding strand, the complement: RORA is on the minus strand). VCF-style: chr15-60499915-G-A. GRCh37 (hg19) VCF-style: chr15-60792114-G-A.
Other names: c.1459C>T, p.Arg487Ter (NM_002943.4); c.1483C>T, p.Arg495Ter (NM_134260.3); c.1219C>T, p.Arg407Ter (NM_134262.3); short protein forms R407*, R462*, R487*, R495*.
Identifiers: ClinVar variation 1691814 (VCV001691814.6), dbSNP rs1198203108, ClinGen allele CA392667099.

ClinVar aggregate classification (germline): Pathogenic/Likely pathogenic. Review status: criteria provided, multiple submitters, no conflicts (2 of 4 stars). 2 submissions from 2 submitters: Pathogenic (1); Likely pathogenic (1). Last evaluated 2025-05-30.

Conditions:
Inborn genetic diseases. Identifiers: MedGen C0950123, MeSH D030342.

Submissions (2):

GeneDx
Classification: Pathogenic. Last evaluated: 2025-05-30. Review status: criteria provided, single submitter. Criteria: GeneDx Variant Classification Process June 2021. Collection method: clinical testing. Allele origin: germline. Affected: yes.
Comment: Nonsense variant predicted to result in protein truncation, as the last 62 amino acids are lost, and other loss-of-function variants have been reported downstream in HGMD; Not observed at significant frequency in large population cohorts (gnomAD); Has not been previously published as pathogenic or benign to our knowledge

Ambry Genetics
Classification: Likely pathogenic for Inborn genetic diseases. Last evaluated: 2024-11-27. Review status: criteria provided, single submitter. Criteria: Ambry Variant Classification Scheme 2023. Collection method: clinical testing. Allele origin: germline.
Comment: The c.1384C>T (p.R462*) alteration, located in exon 10 (coding exon 10) of the RORA gene, consists of a C to T substitution at nucleotide position 1384. This changes the amino acid from an arginine (R) to a stop codon at amino acid position 462. This alteration occurs at the 3' terminus of the RORA gene, is not expected to trigger nonsense-mediated mRNA decay, and impacts the last 11.8% of the protein. Premature stop codons are typically deleterious in nature, the impacted region is critical for protein function, and a significant portion of the protein is affected (Ambry internal data). The RORA c.1384C>T (p.R462*) alteration was flagged as a low confidence call in the Genome Aggregation Database (gnomAD). Based on the available evidence, this alteration is classified as likely pathogenic.